The following is an entry in ClinVar:

ClinVar aggregate classification (germline): Likely benign. Review status: criteria provided, multiple submitters, no conflicts (2 of 4 stars). 4 submissions from 4 submitters: Likely benign (4). Last evaluated 2025-09-08.

Conditions:
Familial thoracic aortic aneurysm and aortic dissection (TAAD). Also called: Thoracic aortic aneurysms and dissections. Identifiers: Orphanet 91387, MedGen C4707243, MONDO:0019625.
Aortic aneurysm, familial thoracic 6 (AAT6). Also called: FAMILIAL THORACIC AORTIC ANEURYSM WITH LIVEDO RETICULARIS AND IRIS FLOCCULI. Identifiers: MedGen C2673186, MONDO:0012730, OMIM 611788.

Allele frequency attached by ClinVar (database versions not stated): gnomAD 0.00001; gnomAD exomes 0.00001; TOPMed 0.00001; ESP Exome Variant Server 0.00008.
gnomAD v4.1: 18 of 1,613,840 alleles (0.0011%); highest among the groups gnomAD compares: African/African-American, 0.0013%; no homozygotes.

Submissions (4):

Labcorp Genetics (formerly Invitae), Labcorp
Classification: Likely benign for Aortic aneurysm, familial thoracic 6. Last evaluated: 2025-09-08. Review status: criteria provided, single submitter. Criteria: Invitae Variant Classification Sherloc (09022015). Collection method: clinical testing. Allele origin: germline.

Ambry Genetics
Classification: Likely benign for Familial thoracic aortic aneurysm and aortic dissection. Last evaluated: 2023-06-22. Review status: criteria provided, single submitter. Criteria: Ambry Variant Classification Scheme 2023. Collection method: clinical testing. Allele origin: germline.

All of Us Research Program, National Institutes of Health
Classification: Likely benign for Familial thoracic aortic aneurysm and aortic dissection. Last evaluated: 2023-05-31. Review status: criteria provided, single submitter. Criteria: ACMG Guidelines, 2015. Collection method: clinical testing. Allele origin: germline. Inheritance: Autosomal dominant inheritance. Observed: 2 variant alleles, 2 heterozygotes.
Comment: This study involves interpretation of variants in research participants for the purpose of population health screening. Participant phenotype was not available at the time of variant classification. Additional details can be found in publication PMID: 35346344, PMCID: PMC8962531

Color Diagnostics, LLC DBA Color Health
Classification: Likely benign for Familial thoracic aortic aneurysm and aortic dissection. Last evaluated: 2019-08-26. Review status: criteria provided, single submitter. Criteria: ACMG Guidelines, 2015. Collection method: clinical testing. Allele origin: germline.

NM_001613.4(ACTA2):c.234C>T (p.Ile78=)

Gene: ACTA2 (actin alpha 2, smooth muscle; minus strand). Cytogenetic location: 10q23.31.
Variant type: single nucleotide variant.
Coding change: c.234C>T on transcript NM_001613.4 (MANE Select); coding-DNA position 234, C replaced by T.
Protein change: p.Ile78=; no amino-acid change (isoleucine 78 retained).
Molecular consequence: synonymous variant. On other transcripts: intron variant (3).
Genome position (GRCh38, 1-based): chr10:88,947,282, G>A on the plus strand (C>T on the coding strand, the complement: ACTA2 is on the minus strand). VCF-style: chr10-88947282-G-A. GRCh37 (hg19) VCF-style: chr10-90707039-G-A.
Other names: c.234C>T, p.Ile78= (NM_001141945.3, NM_001320855.2, NM_001406462.1 and 4 more transcripts); c.129+1520C>T (NM_001406467.1, NM_001406468.1, NM_001406469.1).
Identifiers: ClinVar variation 918417 (VCV000918417.12), dbSNP rs373518147, ClinGen allele CA211327274.
Genomic context (GRCh38, chr10:88,947,282, plus strand): 5'-ATCCTGAGGGCCCAAGCTGCAGCAAACCTCCCATACCTTTTCCATGTCGTCCCAGTTGGT[G>A]ATGATGCCATGTTCTATCGGGTACTTCAGGGTCAGGATTCCTCTTTTGCTCTGTGCTTCG-3'
Protein context (NP_001604.1, residues 68-88): TLKYPIEHGI[Ile78=]TNWDDMEKIW